The following is an entry in ClinVar:

ClinVar aggregate classification (germline): Uncertain significance (1 of 4 stars; one submission).

Conditions:
Baller-Gerold syndrome (BGS). Also called: CRANIOSYNOSTOSIS WITH RADIAL DEFECTS. Identifiers: Orphanet 1225, MedGen C0265308, MONDO:0009039, OMIM 218600.

Submission:

Labcorp Genetics (formerly Invitae), Labcorp
Classification: Uncertain significance for Baller-Gerold syndrome. Last evaluated: 2022-03-16. Review status: criteria provided, single submitter. Criteria: Invitae Variant Classification Sherloc (09022015). Collection method: clinical testing. Allele origin: germline.
Comment: This sequence change replaces valine, which is neutral and non-polar, with leucine, which is neutral and non-polar, at codon 1020 of the RECQL4 protein (p.Val1020Leu). In summary, the available evidence is currently insufficient to determine the role of this variant in disease. Therefore, it has been classified as a Variant of Uncertain Significance. Experimental studies and prediction algorithms are not available or were not evaluated, and the functional significance of this variant is currently unknown. This variant has not been reported in the literature in individuals affected with RECQL4-related conditions. This variant is not present in population databases (gnomAD no frequency).

NM_004260.4(RECQL4):c.3058G>T (p.Val1020Leu)

Gene: RECQL4 (RecQ like helicase 4; minus strand). Cytogenetic location: 8q24.3.
Variant type: single nucleotide variant.
Coding change: c.3058G>T on transcript NM_004260.4 (MANE Select); coding-DNA position 3058, G replaced by T.
Protein change: p.Val1020Leu; replaces valine 1020 with leucine.
Molecular consequence: missense variant.
Genome position (GRCh38, 1-based): chr8:144,512,322, C>A on the plus strand (G>T on the coding strand, the complement: RECQL4 is on the minus strand). VCF-style: chr8-144512322-C-A. GRCh37 (hg19) VCF-style: chr8-145737705-C-A.
Other names: c.2764G>T, p.Val922Leu (NM_001413017.1); c.2860G>T, p.Val954Leu (NM_001413018.1); c.3133G>T, p.Val1045Leu (NM_001413019.1); c.2962G>T, p.Val988Leu (NM_001413020.1); c.1987G>T, p.Val663Leu (NM_001413021.1, NM_001413022.1, NM_001413024.1 and 4 more transcripts); c.2062G>T, p.Val688Leu (NM_001413023.1); c.2929G>T, p.Val977Leu (NM_001413025.1); c.1921G>T, p.Val641Leu (NM_001413027.1, NM_001413030.1, NM_001413032.1); and 9 more; short protein forms V663L, V688L, V976L, V977L, V1010L, V641L, V988L, V1020L.
Identifiers: ClinVar variation 2112904 (VCV002112904.4), dbSNP rs114149451, ClinGen allele CA372670967.